The following is an entry in ClinVar:

ClinVar aggregate classification (germline): Uncertain significance. Review status: criteria provided, multiple submitters, no conflicts (2 of 4 stars). 2 submissions from 2 submitters: Uncertain significance (2). Last evaluated 2024-12-17.

Conditions:
Hereditary cancer-predisposing syndrome. Also called: Neoplastic Syndromes, Hereditary; Tumor predisposition; Hereditary Cancer Syndrome; Hereditary neoplastic syndrome. Identifiers: Orphanet 140162, MedGen C0027672, MeSH D009386, MONDO:0015356.
Hereditary breast ovarian cancer syndrome. Also called: Hereditary breast and ovarian cancer; BRCA1- and BRCA2-Associated Hereditary Breast and Ovarian Cancer; Hereditary breast and ovarian cancer syndrome; Hereditary breast and ovarian cancer syndrome (HBOC); Breast and ovarian cancer; Hereditary breast and/or ovarian cancer syndrome. Identifiers: Orphanet 145, MedGen C0677776, MeSH D061325, MONDO:0003582. Disease mechanism: loss of function.

Submissions (2):

Ambry Genetics
Classification: Uncertain significance for Hereditary cancer-predisposing syndrome. Last evaluated: 2024-12-17. Review status: criteria provided, single submitter. Criteria: Ambry Variant Classification Scheme 2023. Collection method: clinical testing. Allele origin: germline.
Comment: The p.D1065N variant (also known as c.3193G>A), located in coding exon 9 of the BRCA1 gene, results from a G to A substitution at nucleotide position 3193. The aspartic acid at codon 1065 is replaced by asparagine, an amino acid with highly similar properties. This amino acid position is poorly conserved in available vertebrate species. In addition, this alteration is predicted to be tolerated by in silico analysis. Based on the available evidence, the clinical significance of this variant remains unclear.

Labcorp Genetics (formerly Invitae), Labcorp
Classification: Uncertain significance for Hereditary breast ovarian cancer syndrome. Last evaluated: 2023-01-15. Review status: criteria provided, single submitter. Criteria: Invitae Variant Classification Sherloc (09022015). Collection method: clinical testing. Allele origin: germline.
Comment: In summary, the available evidence is currently insufficient to determine the role of this variant in disease. Therefore, it has been classified as a Variant of Uncertain Significance. Advanced modeling of protein sequence and biophysical properties (such as structural, functional, and spatial information, amino acid conservation, physicochemical variation, residue mobility, and thermodynamic stability) performed at Invitae indicates that this missense variant is not expected to disrupt BRCA1 protein function. This variant has not been reported in the literature in individuals affected with BRCA1-related conditions. This variant is not present in population databases (gnomAD no frequency). This sequence change replaces aspartic acid, which is acidic and polar, with asparagine, which is neutral and polar, at codon 1065 of the BRCA1 protein (p.Asp1065Asn).

NM_007294.4(BRCA1):c.3193G>A (p.Asp1065Asn)

Gene: BRCA1 (BRCA1 DNA repair associated; minus strand). Cytogenetic location: 17q21.31.
Variant type: single nucleotide variant.
Coding change: c.3193G>A on transcript NM_007294.4 (MANE Select); coding-DNA position 3193, G replaced by A.
Protein change: p.Asp1065Asn; replaces aspartic acid 1065 with asparagine.
Molecular consequence: missense variant. On other transcripts: intron variant (137).
Genome position (GRCh38, 1-based): chr17:43,092,338, C>T on the plus strand (G>A on the coding strand, the complement: BRCA1 is on the minus strand). VCF-style: chr17-43092338-C-T. GRCh37 (hg19) VCF-style: chr17-41244355-C-T.
Other names: c.3067G>A, p.Asp1023Asn (NM_001407689.1, NM_001407690.1, NM_001407691.1 and 11 more transcripts); c.3052G>A, p.Asp1018Asn (NM_001407692.1, NM_001407694.1, NM_001407695.1 and 29 more transcripts); c.707-1306G>A (NM_001408413.1, NM_001408416.1); c.587-1306G>A (NM_001408476.1, NM_001408474.1); c.647-1306G>A (NM_001408454.1, NM_001408456.1, NM_001408458.1 and 11 more transcripts); c.710-1306G>A (NM_001408409.1, NM_001408412.1, NM_001408414.1 and 2 more transcripts); c.578-1306G>A (NM_001408489.1, NM_001408479.1, NM_001408482.1 and 9 more transcripts); c.668-1306G>A (NM_001408424.1, NM_001408431.1, NM_001408421.1); and 41 more; short protein forms D1024N, D938N, D954N, D976N, D994N, D1023N, D1038N, D1065N.
Identifiers: ClinVar variation 2828954 (VCV002828954.4), dbSNP rs2154337637, ClinGen allele CA10595601.
Genomic context (GRCh38, chr17:43,092,338, plus strand): 5'-TAAGCATAGCATTCAATTTTGGCCCTCTGTTTCTACCTAGTTCTGCTTGAATGTTTTCAT[C>T]ACTGGAACCTATTTCATTAATACTGGAGCCCACTTCATTAGTACTGGAACCTACTTCATT-3'
Protein context (NP_009225.1, residues 1055-1075): GSSINEIGSS[Asp1065Asn]ENIQAELGRN